The following is an entry in ClinVar:

NM_000091.5(COL4A3):c.3610G>A (p.Gly1204Ser)

Genes: COL4A3 (collagen type IV alpha 3 chain; plus strand), MFF-DT (MFF divergent transcript; minus strand). Cytogenetic location: 2q36.3.
Variant type: single nucleotide variant.
Coding change: c.3610G>A on transcript NM_000091.5 (MANE Select); coding-DNA position 3610, G replaced by A.
Protein change: p.Gly1204Ser; replaces glycine 1204 with serine.
Molecular consequence: missense variant.
Genome position (GRCh38, 1-based): chr2:227,297,718, G>A. VCF-style: chr2-227297718-G-A. GRCh37 (hg19) VCF-style: chr2-228162434-G-A.
Other names: short protein forms G1204S.
Identifiers: ClinVar variation 1062225 (VCV001062225.7), dbSNP rs2106246879, ClinGen allele CA350859984.
Genomic context (GRCh38, chr2:227,297,718, plus strand): 5'-GCCTTCTTCTTTGCAGGAGCCAAAGGAGACAGGGGAGCCCCAGGTTTTCCTGGCCTCCCG[G>A]GCAGAAAAGGGGCCATGGGAGATGCTGGACCTCGAGGACCCACAGGCATAGAAGGATTCC-3'
Protein context (NP_000082.2, residues 1194-1214): RGAPGFPGLP[Gly1204Ser]RKGAMGDAGP

ClinVar aggregate classification (germline): Uncertain significance (1 of 4 stars; one submission).

Submission:

Labcorp Genetics (formerly Invitae), Labcorp
Classification: Uncertain significance. Last evaluated: 2025-06-12. Review status: criteria provided, single submitter. Criteria: Invitae Variant Classification Sherloc (09022015). Collection method: clinical testing. Allele origin: germline.
Comment: This sequence change replaces glycine, which is neutral and non-polar, with serine, which is neutral and polar, at codon 1204 of the COL4A3 protein (p.Gly1204Ser). This variant is not present in population databases (gnomAD no frequency). This variant has not been reported in the literature in individuals affected with COL4A3-related conditions. ClinVar contains an entry for this variant (Variation ID: 1062225). Invitae Evidence Modeling of protein sequence and biophysical properties (such as structural, functional, and spatial information, amino acid conservation, physicochemical variation, residue mobility, and thermodynamic stability) indicates that this missense variant is expected to disrupt COL4A3 protein function with a positive predictive value of 80%. In summary, the available evidence is currently insufficient to determine the role of this variant in disease. Therefore, it has been classified as a Variant of Uncertain Significance.